The following is an entry in ClinVar:

ClinVar aggregate classification (germline): Pathogenic. Review status: criteria provided, multiple submitters, no conflicts (2 of 4 stars). 18 submissions from 16 submitters: Pathogenic (14). 4 of the submissions do not count toward it. Last evaluated 2025-12-15.
ClinVar aggregate classification (somatic clinical impact): Tier I - Strong (1 of 4 stars; one submission).

Conditions:
Epidermal nevus. Also called: NEVUS, KERATINOCYTIC, NONEPIDERMOLYTIC; Nevus, epidermal, somatic. Identifiers: Orphanet 79414, MedGen C0334082, MONDO:0008093, OMIM 162900, HP:0010816.
Linear nevus sebaceous syndrome. Also called: JADASSOHN NEVUS PHAKOMATOSIS; NEVUS SEBACEUS OF JADASSOHN; Linear nevus sebaceous; Linear sebaceous nevus sequence; ORGANOID NEVUS PHAKOMATOSIS; SFM SYNDROME. Identifiers: Orphanet 2612, MedGen C4552097, MONDO:0008097, OMIM 163200, HP:0010817.
Large congenital melanocytic nevus (CMNS). Also called: Giant congenital nevus; PIGMENTED MOLES; Giant hairy nevus; Bathing trunk nevus; Congenital giant pigmented nevus; MELANOCYTIC NEVUS SYNDROME, CONGENITAL, SOMATIC. Identifiers: Orphanet 626, MedGen C1842036, MONDO:0044792, OMIM 137550, HP:0005600.
Costello syndrome (CSTLO). Also called: FCS SYNDROME; FACIOCUTANEOSKELETAL SYNDROME; HRAS-Related Costello Syndrome. Identifiers: Orphanet 3071, MedGen C0587248, MONDO:0009026, OMIM 218040.
HRAS-related disorders.
Malignant tumor of urinary bladder. Also called: Urinary Bladder Neoplasms; Bladder cancer; Urinary bladder cancer. Identifiers: MedGen C0005684, MONDO:0001187, OMIM 109800.
Thyroid cancer, nonmedullary, 2 (NMTC2). Also called: Thyroid carcinoma, follicular, somatic; THYROID CANCER, NONMEDULLARY, 2, SUSCEPTIBILITY TO; THYROID CARCINOMA, FOLLICULAR. Identifiers: MedGen C4225426, MONDO:0008566, OMIM 188470.
RASopathy. Also called: Noonan spectrum disorder; rasopathies. Identifiers: Orphanet 536391, MedGen C5555857, MONDO:0021060.
Nevus sebaceous. Also called: NEVUS SEBACEOUS, SOMATIC. Identifiers: MedGen C3854181, HP:0010815.
Embryonal rhabdomyosarcoma (ERMS). Also called: Botryoid rhabdomyosarcoma (type of ERMS); Spindle cell rhabdomyosarcomas (type of ERMS). Identifiers: Orphanet 99757, MedGen C0206656, MONDO:0009993, HP:0006743.

Submissions 1 to 5 of 19:

Clinical Genomics Laboratory, Washington University in St. Louis
Classification: Pathogenic for Linear nevus sebaceous syndrome; Epidermal nevus; Costello syndrome; Large congenital melanocytic nevus. Last evaluated: 2025-12-15. Review status: criteria provided, single submitter. Criteria: Leon-Quintero et al. (Clin Genet. 2025). Collection method: clinical testing. Allele origin: somatic. Affected: yes.
Comment: An HRAS c.34G>T (p.Gly12Cys) variant was identified at an allelic fraction consistent with somatic origin. This variant has been reported in the literature in a germline and somatic state in several individuals affected with Costello syndrome, some which have ILVEN or ILVEN like skin manifestations, (Lorenz S et al., PMID: 22926243; Burkitt-Wright EMM et al., PMID: 22495892; Kerr B et al., PMID: 16443854; Lee HW et al., PMID: 32636318; Niihori T et al., PMID: 21850009; Syu Y et al., PMID: 35740842) as well as in a somatic state in nevus sebaceous syndrome and keratinocytic epidermal nevi & sebaceous nevi (Green TE et al., PMID: 34649968; Igawa S et al., PMID: 26498739; Groesser L et al., PMID: 22683711; Hafner C et al., PMID: 22499344). To our knowledge, this specific variant has not been reported in individuals with isolated ILVEN (Inflammatory linear verrucous epidermal nevus) phenotype but other somatic variants in HRAS (p.G12S, p.G12V, p.G13R) have been (Levinsohn JL et al., PMID: 23096712; Atzmony L et al., PMID: 35853659; Hafner C et al., PMID: 22499344). The HRAS c.34G>T (p.Gly12Cys) variant has been reported in the ClinVar database as a germline pathogenic variant by several submitters; (Variation ID: 12613), and in multiple samples in the cancer database COSMIC. It is absent from the general population (gnomAD v4.1.0), indicating it is not a common variant. It resides within a region, phosphate-binding loop of GTPase (G) domain, amino acids 10-17, of HRAS that is defined as a critical functional domain (Simanshu DK et al., PMID: 35046094; Silverman I et al., PMID: 39184150). Computational predictors indicate that the variant is damaging, evidence that correlates with impact on HRAS function. In support of this prediction, functional studies show an increase in guanosine triphosphate (GTP)-bound HRAS and activation of RAS signaling pathway (as measured by the activation of ELK1 and c-Jun) in cells transfected with the variant of interest, indicating that this variant impacts protein function (Niihori T et al., PMID: 21850009). Based on available information and an internally developed protocol informed by the ACMG/AMP guidelines for variant interpretation and gene-specific practices from the ClinGen Criteria Specification Registry (Leon-Quintero FZ et al., PMID: 39434542), the HRAS c.34G>T (p.Gly12Cys) variant is classified as pathogenic.

The Central Laboratory of Birth Defects Prevention and Control, The Affiliated Women and Children's Hospital of Ningbo University
Classification: Pathogenic for Costello syndrome. Last evaluated: 2025-11-28. Review status: criteria provided, single submitter. Criteria: ACMG Guidelines, 2015. Collection method: clinical testing. Allele origin: de novo. Affected: yes.
Comment: The NM_176795.5 c.34G>T is a missense variant in HRAS gene.Not observed at significant frequency in large population cohorts (gnomAD). This variant has been reported in the literature in multiple individuals affected with Costello Syndrome (PMID 31394527, 22926243, 24637993, 21850009). The c.34G>T variant in the HRAS gene of the tested sample was confirmed to be a de novo variant through parental sample verification. In silico tool predictions suggest damaging effect of the variant on gene or gene product (REVEL: 0.788). At the same base site, it leads to another amino acid variant c.34G>A (p.Gly12Ser), which has been confirmed to be pathogenic. This variant has been reported in ClinVar as pathogenic (Accession: VCV000012613.62). Based on the available evidence, this alteration is classified as pathogenic.

Institute of Immunology and Genetics Kaiserslautern
Classification: Pathogenic for Costello syndrome. Last evaluated: 2024-07-09. Review status: criteria provided, single submitter. Criteria: ACMG Guidelines, 2015. Collection method: clinical testing. Allele origin: germline. Affected: yes.
Comment: ACMG Criteria:PP3, PP5, PM2_P, PM1, PM5, PS3; Variant was found in heterozygous state

Labcorp Genetics (formerly Invitae), Labcorp
Classification: Pathogenic for Costello syndrome. Last evaluated: 2024-02-03. Review status: criteria provided, single submitter. Criteria: Invitae Variant Classification Sherloc (09022015). Collection method: clinical testing. Allele origin: germline.
Comment: This sequence change replaces glycine, which is neutral and non-polar, with cysteine, which is neutral and slightly polar, at codon 12 of the HRAS protein (p.Gly12Cys). This variant is not present in population databases (gnomAD no frequency). This missense change has been observed in individuals with Costello syndrome (PMID: 16443854, 18039947, 22926243). ClinVar contains an entry for this variant (Variation ID: 12613). Advanced modeling of protein sequence and biophysical properties (such as structural, functional, and spatial information, amino acid conservation, physicochemical variation, residue mobility, and thermodynamic stability) performed at Invitae indicates that this missense variant is expected to disrupt HRAS protein function with a positive predictive value of 95%. Experimental studies have shown that this missense change affects HRAS function (PMID: 21850009). This variant disrupts the p.Gly12 amino acid residue in HRAS. Other variant(s) that disrupt this residue have been determined to be pathogenic (PMID: 16170316, 16372351, 16443854, 16835863, 17601930, 18042262, 21850009, 22420426, 28027064). This suggests that this residue is clinically significant, and that variants that disrupt this residue are likely to be disease-causing. For these reasons, this variant has been classified as Pathogenic.

ARUP Laboratories, Molecular Genetics and Genomics, ARUP Laboratories
Classification: Pathogenic. Last evaluated: 2023-10-06. Review status: criteria provided, single submitter. Criteria: ARUP Molecular Germline Variant Investigation Process 2024. Collection method: clinical testing. Allele origin: germline.
Comment: The HRAS c.34G>T; p.Gly12Cys variant (rs104894229; ClinVar Variation ID: 12613) is reported in the literature as a recurrent de novo variant in multiple individuals affected with Costello syndrome (Choi 2019, Kerr 2006, Lorenz 2012). This variant is absent from the Genome Aggregation Database, indicating it is not a common polymorphism. The glycine residues at codons 12 and 13 are frequently altered in both Costello syndrome patients (Aoki 2005, Estep 2006, Gripp 2005, Kerr 2006, Niihori 2011). Functional characterization of the p.Gly12Cys protein indicates increased downstream MEK signaling activity (Niihori 2011), consistent with the established disease mechanism of Costello syndrome. Based on available information, this variant is considered to be pathogenic. References: Choi N et al. Phenotypic and Genetic Characteristics of Five Korean Patients with Costello Syndrome. Cytogenet Genome Res. 2019;158(4):184-191. PMID: 31394527. Kerr B et al. Genotype-phenotype correlation in Costello syndrome: HRAS mutation analysis in 43 cases. J Med Genet. 2006 May;43(5):401-5. PMID: 16443854 Lorenz S et al Two cases with severe lethal course of Costello syndrome associated with HRAS p.G12C and p.G12D. Eur J Med Genet. 2012 Nov;55(11):615-9. PMID: 22926243. Niihori T et al. HRAS mutants identified in Costello syndrome patients can induce cellular senescence: possible implications for the pathogenesis of Costello syndrome. J Hum Genet. 2011 Oct;56(10):707-15. PMID: 21850009.

NM_005343.4(HRAS):c.34G>T (p.Gly12Cys)

Genes: HRAS (HRas proto-oncogene, GTPase; minus strand), LRRC56 (leucine rich repeat containing 56; plus strand). Cytogenetic location: 11p15.5.
Variant type: single nucleotide variant.
Coding change: c.34G>T on transcript NM_005343.4 (MANE Select); coding-DNA position 34, G replaced by T.
Protein change: p.Gly12Cys; replaces glycine 12 with cysteine.
Molecular consequence: missense variant. On other transcripts: 5 prime UTR variant (1).
Genome position (GRCh38, 1-based): chr11:534,289, C>A on the plus strand (G>T on the coding strand, the complement: HRAS is on the minus strand). VCF-style: chr11-534289-C-A. GRCh37 (hg19) VCF-style: chr11-534289-C-A.
Other names: p.G12C:GGC>TGC; c.34G>T, p.Gly12Cys (NM_001130442.3, NM_176795.5); c.-286G>T (NM_001318054.2); short protein forms G12C.
Identifiers: ClinVar variation 12613 (VCV000012613.66), dbSNP rs104894229, ClinGen allele CA129948.